The following is an entry in ClinVar:

ClinVar aggregate classification (germline): Pathogenic (1 of 4 stars; one submission).

Conditions:
Hereditary cancer-predisposing syndrome. Also called: Tumor predisposition; Neoplastic Syndromes, Hereditary; Hereditary Cancer Syndrome; Hereditary neoplastic syndrome. Identifiers: Orphanet 140162, MedGen C0027672, MeSH D009386, MONDO:0015356.

Submission:

Ambry Genetics
Classification: Pathogenic for Hereditary cancer-predisposing syndrome. Last evaluated: 2025-01-22. Review status: criteria provided, single submitter. Criteria: Ambry Variant Classification Scheme 2023. Collection method: clinical testing. Allele origin: germline.
Comment: The p.Y969* pathogenic mutation (also known as c.2907T>A), located in coding exon 4 of the MSH6 gene, results from a T to A substitution at nucleotide position 2907. This changes the amino acid from a tyrosine to a stop codon within coding exon 4. This alteration is expected to result in loss of function by premature protein truncation or nonsense-mediated mRNA decay. This variant is considered to be rare based on population cohorts in the Genome Aggregation Database (gnomAD). As such, this alteration is interpreted as a disease-causing mutation. This amino acid position is well conserved in available vertebrate species.

NM_000179.3(MSH6):c.2907T>A (p.Tyr969Ter)

Gene: MSH6 (mutS homolog 6; plus strand). Cytogenetic location: 2p16.3.
Variant type: single nucleotide variant.
Coding change: c.2907T>A on transcript NM_000179.3 (MANE Select); coding-DNA position 2907, T replaced by A.
Protein change: p.Tyr969Ter; replaces tyrosine 969 with a stop codon.
Molecular consequence: nonsense. On other transcripts: non-coding transcript variant (5), intron variant (2).
Genome position (GRCh38, 1-based): chr2:47,800,890, T>A. VCF-style: chr2-47800890-T-A. GRCh37 (hg19) VCF-style: chr2-48028029-T-A.
Other names: c.2517T>A, p.Tyr839Ter (NM_001281492.2); c.2001T>A, p.Tyr667Ter (NM_001281493.2, NM_001281494.2, NM_001406811.1 and 6 more transcripts); c.3003T>A, p.Tyr1001Ter (NM_001406795.1, NM_001406802.1); c.2907T>A, p.Tyr969Ter (NM_001406796.1, NM_001406798.1, NM_001406800.1 and 2 more transcripts); c.2610T>A, p.Tyr870Ter (NM_001406797.1, NM_001406801.1, NM_001406805.1 and 10 more transcripts); c.2382T>A, p.Tyr794Ter (NM_001406799.1, NM_001406806.1, NM_001406807.1); c.2829T>A, p.Tyr943Ter (NM_001406804.1); c.2913T>A, p.Tyr971Ter (NM_001406813.1); and 4 more; short protein forms Y667*, Y870*, Y1001*, Y839*, Y284*, Y794*, Y913*, Y969*.
Identifiers: ClinVar variation 3875069 (VCV003875069.1).